The following is an entry in ClinVar:

ClinVar aggregate classification (germline): Uncertain significance (1 of 4 stars; one submission).

Allele frequency attached by ClinVar (database versions not stated): gnomAD 0.00001; gnomAD exomes 0.00002; TOPMed 0.00002.
gnomAD v4.1: 26 of 1,548,956 alleles (0.0017%); highest among the groups gnomAD compares: Non-Finnish European, 0.0022%; no homozygotes.

Submission:

Labcorp Genetics (formerly Invitae), Labcorp
Classification: Uncertain significance. Last evaluated: 2021-09-01. Review status: criteria provided, single submitter. Criteria: Invitae Variant Classification Sherloc (09022015). Collection method: clinical testing. Allele origin: germline.
Comment: This sequence change replaces threonine with alanine at codon 396 of the KPNA7 protein (p.Thr396Ala). The threonine residue is moderately conserved and there is a small physicochemical difference between threonine and alanine. In summary, the available evidence is currently insufficient to determine the role of this variant in disease. Therefore, it has been classified as a Variant of Uncertain Significance. Algorithms developed to predict the effect of sequence changes on RNA splicing suggest that this variant may create or strengthen a splice site. Algorithms developed to predict the effect of missense changes on protein structure and function (SIFT, PolyPhen-2, Align-GVGD) all suggest that this variant is likely to be tolerated. This variant has not been reported in the literature in individuals affected with KPNA7-related conditions. This variant is not present in population databases (ExAC no frequency).

NM_001145715.3(KPNA7):c.1186A>G (p.Thr396Ala)

Gene: KPNA7 (karyopherin subunit alpha 7; minus strand). Cytogenetic location: 7q22.1.
Variant type: single nucleotide variant.
Coding change: c.1186A>G on transcript NM_001145715.3 (MANE Select); coding-DNA position 1186, A replaced by G.
Protein change: p.Thr396Ala; replaces threonine 396 with alanine.
Molecular consequence: missense variant.
Genome position (GRCh38, 1-based): chr7:99,182,014, T>C on the plus strand (A>G on the coding strand, the complement: KPNA7 is on the minus strand). VCF-style: chr7-99182014-T-C. GRCh37 (hg19) VCF-style: chr7-98779637-T-C.
Other names: short protein forms T396A.
Identifiers: ClinVar variation 1379580 (VCV001379580.4), dbSNP rs1789274828, ClinGen allele CA368418209.